The following is an entry in ClinVar:

ClinVar aggregate classification (germline): Pathogenic. Review status: criteria provided, multiple submitters, no conflicts (2 of 4 stars). 4 submissions from 4 submitters: Pathogenic (4). Last evaluated 2025-12-18.

Conditions:
ADGRV1-related disorder. Also called: ADGRV1-related condition; ADGRV1-related disorders.
Usher syndrome type 2C. Also called: Usher syndrome, type 2B; USHER SYNDROME, TYPE IIC. Identifiers: Orphanet 231178, Orphanet 886, MedGen C2931213, MONDO:0011558, OMIM 605472.

Allele frequency attached by ClinVar (database versions not stated): ExAC 0.00001; gnomAD 0.00001; TOPMed 0.00002.
gnomAD v4.1: 4 of 1,613,214 alleles (0.00025%); highest among the groups gnomAD compares: Admixed American, 0.0067%; no homozygotes.

Submissions (4):

3billion
Classification: Pathogenic for Usher syndrome type 2C. Last evaluated: 2025-12-18. Review status: criteria provided, single submitter. Criteria: ACMG Guidelines, 2015. Collection method: clinical testing. Allele origin: germline. Affected: yes.
Comment: The variant is observed at an extremely low frequency in the gnomAD v4.1.0 dataset (total allele frequency: <0.001%). Predicted Consequence/Location: Stop-gained (nonsense): predicted to result in a loss or disruption of normal protein function through nonsense-mediated decay (NMD) or protein truncation. Multiple pathogenic variants are reported downstream of the variant. The variant has been reported at least twice as pathogenic without evidence for the classification (ClinVar ID: VCV000866027). Therefore, this variant is classified as Pathogenic according to the recommendation of ACMG/AMP guideline.

PreventionGenetics, part of Exact Sciences
Classification: Pathogenic for ADGRV1-related condition. Last evaluated: 2025-07-25. Review status: criteria provided, single submitter. Criteria: ACMG Guidelines, 2015. Collection method: clinical testing. Allele origin: germline.
Comment: The ADGRV1 c.12497C>G variant is predicted to result in premature protein termination (p.Ser4166*). To our knowledge, this variant has not been reported in the literature. This variant is reported in 0.014% of alleles in individuals of Latino descent in gnomAD. Nonsense variants in ADGRV1 are expected to be pathogenic. This variant is interpreted as pathogenic.

Labcorp Genetics (formerly Invitae), Labcorp
Classification: Pathogenic. Last evaluated: 2023-03-07. Review status: criteria provided, single submitter. Criteria: Invitae Variant Classification Sherloc (09022015). Collection method: clinical testing. Allele origin: germline.
Comment: This sequence change creates a premature translational stop signal (p.Ser4166*) in the ADGRV1 gene. It is expected to result in an absent or disrupted protein product. Loss-of-function variants in ADGRV1 are known to be pathogenic (PMID: 19357117, 22135276, 22147658, 26226137, 30718709, 31047384, 32467589). This variant is present in population databases (rs778188580, gnomAD 0.01%). This variant has not been reported in the literature in individuals affected with ADGRV1-related conditions. ClinVar contains an entry for this variant (Variation ID: 866027). For these reasons, this variant has been classified as Pathogenic.

Blueprint Genetics
Classification: Pathogenic for ADGRV1-related disorders. Last evaluated: 2021-07-20. Review status: criteria provided, single submitter. Criteria: ACMG Guidelines, 2015. Collection method: clinical testing. Allele origin: germline. Affected: yes. Observed: 4 variant alleles.

Literature cited by the submitters: PubMed 19357117 (cited by Labcorp Genetics (formerly Invitae), Labcorp); PubMed 22135276 (cited by Labcorp Genetics (formerly Invitae), Labcorp); PubMed 22147658 (cited by Labcorp Genetics (formerly Invitae), Labcorp); PubMed 26226137 (cited by Labcorp Genetics (formerly Invitae), Labcorp); PubMed 30718709 (cited by Labcorp Genetics (formerly Invitae), Labcorp); PubMed 31047384 (cited by Labcorp Genetics (formerly Invitae), Labcorp); PubMed 32467589 (cited by Labcorp Genetics (formerly Invitae), Labcorp).

NM_032119.4(ADGRV1):c.12497C>G (p.Ser4166Ter)

Gene: ADGRV1 (adhesion G protein-coupled receptor V1; plus strand). Cytogenetic location: 5q14.3.
Variant type: single nucleotide variant.
Coding change: c.12497C>G on transcript NM_032119.4 (MANE Select); coding-DNA position 12497, C replaced by G.
Protein change: p.Ser4166Ter; replaces serine 4166 with a stop codon.
Molecular consequence: nonsense. On other transcripts: non-coding transcript variant (1).
Genome position (GRCh38, 1-based): chr5:90,776,546, C>G. VCF-style: chr5-90776546-C-G. GRCh37 (hg19) VCF-style: chr5-90072363-C-G.
Other names: short protein forms S4166*.
Identifiers: ClinVar variation 866027 (VCV000866027.11), dbSNP rs778188580, ClinGen allele CA3341260.